The following is an entry in ClinVar:

NM_144670.6(A2ML1):c.2125G>T (p.Gly709Cys)

Gene: A2ML1 (alpha-2-macroglobulin like 1; plus strand). Cytogenetic location: 12p13.31.
Variant type: single nucleotide variant.
Coding change: c.2125G>T on transcript NM_144670.6 (MANE Select); coding-DNA position 2125, G replaced by T.
Protein change: p.Gly709Cys; replaces glycine 709 with cysteine.
Molecular consequence: missense variant.
Genome position (GRCh38, 1-based): chr12:8,850,165, G>T. VCF-style: chr12-8850165-G-T. GRCh37 (hg19) VCF-style: chr12-9002761-G-T.
Other names: c.652G>T, p.Gly218Cys (NM_001282424.3); short protein forms G218C, G709C.
Identifiers: ClinVar variation 4736267 (VCV004736267.1).

ClinVar aggregate classification (germline): Uncertain significance (1 of 4 stars; one submission).

gnomAD v4.1: 1 of 1,602,684 alleles (0.000062%); highest among the groups gnomAD compares: Non-Finnish European, 0.000085%; no homozygotes.

Submission:

Labcorp Genetics (formerly Invitae), Labcorp
Classification: Uncertain significance. Last evaluated: 2026-02-03. Review status: criteria provided, single submitter. Criteria: Invitae Variant Classification Sherloc (09022015). Collection method: clinical testing. Allele origin: germline.
Comment: This sequence change replaces glycine, which is neutral and non-polar, with cysteine, which is neutral and slightly polar, at codon 709 of the A2ML1 protein (p.Gly709Cys). This variant is not present in population databases (gnomAD no frequency). This variant has not been reported in the literature in individuals affected with A2ML1-related conditions. An algorithm developed to predict the effect of missense changes on protein structure and function (PolyPhen-2) suggests that this variant is likely to be disruptive. In summary, the available evidence is currently insufficient to determine the role of this variant in disease. Therefore, it has been classified as a Variant of Uncertain Significance.